The following is an entry in ClinVar:

ClinVar aggregate classification (germline): Uncertain significance. Review status: criteria provided, multiple submitters, no conflicts (2 of 4 stars). 3 submissions from 3 submitters: Uncertain significance (3). Last evaluated 2026-02-05.

Conditions:
LSR-related condition.

Allele frequency attached by ClinVar (database versions not stated): ExAC 0.00020.

Submissions (3):

PreventionGenetics, part of Exact Sciences
Classification: Uncertain significance for LSR-related condition. Last evaluated: 2026-02-05. Review status: criteria provided, single submitter. Criteria: ACMG Guidelines, 2015. Collection method: clinical testing. Allele origin: germline.
Comment: The LSR c.1573C>A variant is predicted to result in the amino acid substitution p.Pro525Thr. To our knowledge, this variant has not been reported in the literature. This variant is reported in 0.034% of alleles in individuals of European (Non-Finnish) descent in gnomAD. At this time, the clinical significance of this variant is uncertain due to the absence of conclusive functional and genetic evidence.

Labcorp Genetics (formerly Invitae), Labcorp
Classification: Uncertain significance. Last evaluated: 2025-11-19. Review status: criteria provided, single submitter. Criteria: Invitae Variant Classification Sherloc (09022015). Collection method: clinical testing. Allele origin: germline.
Comment: This sequence change replaces proline, which is neutral and non-polar, with threonine, which is neutral and polar, at codon 525 of the LSR protein (p.Pro525Thr). This variant is present in population databases (rs199499157, gnomAD 0.03%). This variant has not been reported in the literature in individuals affected with LSR-related conditions. ClinVar contains an entry for this variant (Variation ID: 2918675). An algorithm developed to predict the effect of missense changes on protein structure and function outputs the following: PolyPhen-2: "Benign". The threonine amino acid residue is found in multiple mammalian species, which suggests that this missense change does not adversely affect protein function. In summary, the available evidence is currently insufficient to determine the role of this variant in disease. Therefore, it has been classified as a Variant of Uncertain Significance.

Ambry Genetics
Classification: Uncertain significance. Last evaluated: 2023-12-22. Review status: criteria provided, single submitter. Criteria: Ambry Variant Classification Scheme 2023. Collection method: clinical testing. Allele origin: germline.

NM_205834.4(LSR):c.1429C>A (p.Pro477Thr)

Gene: LSR (lipolysis stimulated lipoprotein receptor; plus strand). Cytogenetic location: 19q13.12.
Variant type: single nucleotide variant.
Coding change: c.1429C>A on transcript NM_205834.4 (MANE Select); coding-DNA position 1429, C replaced by A.
Protein change: p.Pro477Thr; replaces proline 477 with threonine.
Molecular consequence: missense variant.
Genome position (GRCh38, 1-based): chr19:35,267,393, C>A. VCF-style: chr19-35267393-C-A. GRCh37 (hg19) VCF-style: chr19-35758296-C-A.
Other names: c.1369C>A, p.Pro457Thr (NM_001260489.2); c.1105C>A, p.Pro369Thr (NM_001260490.2); c.1222C>A, p.Pro408Thr (NM_001385215.1); c.1372C>A, p.Pro458Thr (NM_015925.7); c.1225C>A, p.Pro409Thr (NM_205835.4); c.1573C>A (NM_205834.3, NM_205834.2); short protein forms P369T, P408T, P457T, P409T, P458T, P477T.
Identifiers: ClinVar variation 2918675 (VCV002918675.5), dbSNP rs199499157, ClinGen allele CA9375099.
Genomic context (GRCh38, chr19:35,267,393, plus strand): 5'-ACCGCCGAGTCAGGGAGCAGGTCTCCCACGAGTAATGGTGGGAGAAGCCGGGCCTACATG[C>A]CCCCGCGGAGCCGCAGCCGGGACGACCTCTATGACCAAGACGACTCGAGGGACTTCCCAC-3'
Protein context (NP_991403.2, residues 467-487): SNGGRSRAYM[Pro477Thr]PRSRSRDDLY